The following is an entry in ClinVar:

NM_006662.3(SRCAP):c.394C>T (p.Arg132Cys)

Gene: SRCAP (Snf2 related CREBBP activator protein; plus strand). Cytogenetic location: 16p11.2.
Variant type: single nucleotide variant.
Coding change: c.394C>T on transcript NM_006662.3 (MANE Select); coding-DNA position 394, C replaced by T.
Protein change: p.Arg132Cys; replaces arginine 132 with cysteine.
Molecular consequence: missense variant.
Genome position (GRCh38, 1-based): chr16:30,707,270, C>T. VCF-style: chr16-30707270-C-T. GRCh37 (hg19) VCF-style: chr16-30718591-C-T.
Other names: short protein forms R132C.
Identifiers: ClinVar variation 2886178 (VCV002886178.3), dbSNP rs1489610376, ClinGen allele CA395599033.

ClinVar aggregate classification (germline): Uncertain significance (1 of 4 stars; one submission).

Allele frequency attached by ClinVar (database versions not stated): gnomAD exomes below 0.00001; TOPMed below 0.00001; gnomAD 0.00001.
gnomAD v4.1: 4 of 1,614,038 alleles (0.00025%); highest among the groups gnomAD compares: East Asian, 0.0022%; no homozygotes.

Submission:

Labcorp Genetics (formerly Invitae), Labcorp
Classification: Uncertain significance. Last evaluated: 2023-10-30. Review status: criteria provided, single submitter. Criteria: Invitae Variant Classification Sherloc (09022015). Collection method: clinical testing. Allele origin: germline.
Comment: This sequence change replaces arginine, which is basic and polar, with cysteine, which is neutral and slightly polar, at codon 132 of the SRCAP protein (p.Arg132Cys). This variant is present in population databases (no rsID available, gnomAD 0.0009%). This variant has not been reported in the literature in individuals affected with SRCAP-related conditions. Advanced modeling of protein sequence and biophysical properties (such as structural, functional, and spatial information, amino acid conservation, physicochemical variation, residue mobility, and thermodynamic stability) has been performed at Invitae for this missense variant, however the output from this modeling did not meet the statistical confidence thresholds required to predict the impact of this variant on SRCAP protein function. In summary, the available evidence is currently insufficient to determine the role of this variant in disease. Therefore, it has been classified as a Variant of Uncertain Significance.